The following is an entry in ClinVar:

NM_014915.3(ANKRD26):c.2188G>C (p.Asp730His)

Gene: ANKRD26 (ankyrin repeat domain containing 26; minus strand). Cytogenetic location: 10p12.1.
Variant type: single nucleotide variant.
Coding change: c.2188G>C on transcript NM_014915.3 (MANE Select); coding-DNA position 2188, G replaced by C.
Protein change: p.Asp730His; replaces aspartic acid 730 with histidine.
Molecular consequence: missense variant.
Genome position (GRCh38, 1-based): chr10:27,040,152, C>G on the plus strand (G>C on the coding strand, the complement: ANKRD26 is on the minus strand). VCF-style: chr10-27040152-C-G. GRCh37 (hg19) VCF-style: chr10-27329081-C-G.
Other names: c.2185G>C, p.Asp729His (NM_001256053.2); short protein forms D730H, D729H.
Identifiers: ClinVar variation 3912822 (VCV003912822.1).

ClinVar aggregate classification (germline): Uncertain significance (1 of 4 stars; one submission).

Conditions:
Inborn genetic diseases. Identifiers: MedGen C0950123, MeSH D030342.

gnomAD v4.1: 2 of 1,612,202 alleles (0.00012%); highest among the groups gnomAD compares: Non-Finnish European, 0.00017%; no homozygotes.

Submission:

Ambry Genetics
Classification: Uncertain significance for Inborn genetic diseases. Last evaluated: 2025-04-06. Review status: criteria provided, single submitter. Criteria: Ambry Variant Classification Scheme 2023. Collection method: clinical testing. Allele origin: germline.
Comment: The p.D730H variant (also known as c.2188G>C), located in coding exon 21 of the ANKRD26 gene, results from a G to C substitution at nucleotide position 2188. The aspartic acid at codon 730 is replaced by histidine, an amino acid with similar properties. This amino acid position is conserved. In addition, this alteration is predicted to be tolerated by in silico analysis. Based on the available evidence, the clinical significance of this variant remains unclear.